The following is an entry in ClinVar:

NM_000257.4(MYH7):c.4063G>A (p.Ala1355Thr)

Gene: MYH7 (myosin heavy chain 7; minus strand). Cytogenetic location: 14q11.2.
Variant type: single nucleotide variant.
Coding change: c.4063G>A on transcript NM_000257.4 (MANE Select); coding-DNA position 4063, G replaced by A.
Protein change: p.Ala1355Thr; replaces alanine 1355 with threonine.
Molecular consequence: missense variant.
Genome position (GRCh38, 1-based): chr14:23,418,316, C>T on the plus strand (G>A on the coding strand, the complement: MYH7 is on the minus strand). VCF-style: chr14-23418316-C-T. GRCh37 (hg19) VCF-style: chr14-23887525-C-T.
Other names: c.4063G>A (NM_000257.2); short protein forms A1355T.
Identifiers: ClinVar variation 628961 (VCV000628961.16), dbSNP rs755058300, ClinGen allele CA040248.
Genomic context (GRCh38, chr14:23,418,316, plus strand): 5'-ACTTGGTCCTCCACTGGGCCACCTCCGAGTTGGCCTTGGAAAGGACGCGCTGCAGCTCGG[C>T]CTTGGCCTCCGTCTCCTCCTCGTACTGCTCCCGCAGCAGGTCGCAGTCATGCCGGGCCGA-3'
Protein context (NP_000248.2, residues 1345-1365): EQYEEETEAK[Ala1355Thr]ELQRVLSKAN

ClinVar aggregate classification (germline): Uncertain significance. Review status: criteria provided, multiple submitters, no conflicts (2 of 4 stars). 5 submissions from 5 submitters: Uncertain significance (5). Last evaluated 2025-11-22.

Conditions:
Cardiovascular phenotype. Identifiers: MedGen CN230736.
Hypertrophic cardiomyopathy. Also called: HYPERTROPHIC MYOCARDIOPATHY. Identifiers: Orphanet 217569, MedGen C0007194, MeSH D002312, MONDO:0005045, HP:0001639.
Cardiomyopathy (CMYO). Also called: Cardiomyopathies. Identifiers: Orphanet 167848, MedGen C0878544, MONDO:0004994, HP:0001638. Inheritance: Various modes of inheritance.

Allele frequency attached by ClinVar (database versions not stated): ExAC 0.00001; gnomAD exomes below 0.00001.
gnomAD v4.1: 1 of 1,613,752 alleles (0.000062%); highest among the groups gnomAD compares: Non-Finnish European, 0.000085%; no homozygotes.

Submissions (5):

Labcorp Genetics (formerly Invitae), Labcorp
Classification: Uncertain significance for Hypertrophic cardiomyopathy. Last evaluated: 2025-11-22. Review status: criteria provided, single submitter. Criteria: Invitae Variant Classification Sherloc (09022015). Collection method: clinical testing. Allele origin: germline.
Comment: This sequence change replaces alanine, which is neutral and non-polar, with threonine, which is neutral and polar, at codon 1355 of the MYH7 protein (p.Ala1355Thr). This variant is present in population databases (rs755058300, gnomAD 0.0009%). This variant has not been reported in the literature in individuals affected with MYH7-related conditions. ClinVar contains an entry for this variant (Variation ID: 628961). Invitae Evidence Modeling of protein sequence and biophysical properties (such as structural, functional, and spatial information, amino acid conservation, physicochemical variation, residue mobility, and thermodynamic stability) has been performed for this missense variant. However, the output from this modeling did not meet the statistical confidence thresholds required to predict the impact of this variant on MYH7 protein function. In summary, the available evidence is currently insufficient to determine the role of this variant in disease. Therefore, it has been classified as a Variant of Uncertain Significance.

Ambry Genetics
Classification: Uncertain significance for Cardiovascular phenotype. Last evaluated: 2025-09-09. Review status: criteria provided, single submitter. Criteria: Ambry Variant Classification Scheme 2023. Collection method: clinical testing. Allele origin: germline.
Comment: The c.4063G>A (p.A1355T) alteration is located in exon 30 (coding exon 28) of the MYH7 gene. This alteration results from a G to A substitution at nucleotide position 4063, causing the alanine (A) at amino acid position 1355 to be replaced by a threonine (T). This allele was reported in one heterozygous individual in population-based cohorts in the Genome Aggregation Database (gnomAD). This amino acid position is well conserved in available vertebrate species. The in silico prediction for this alteration is inconclusive. Based on insufficient or conflicting evidence, the clinical significance of this alteration remains unclear.

Color Diagnostics, LLC DBA Color Health
Classification: Uncertain significance for Cardiomyopathy. Last evaluated: 2024-03-06. Review status: criteria provided, single submitter. Criteria: ACMG Guidelines, 2015. Collection method: clinical testing. Allele origin: germline.
Comment: This missense variant replaces alanine with threonine at codon 1355 of the MYH7 protein. Computational prediction is inconclusive regarding the impact of this variant on protein structure and function (internally defined REVEL score threshold 0.5 < inconclusive < 0.7, PMID: 27666373). To our knowledge, functional studies have not been reported for this variant. This variant has not been reported in individuals affected with MYH7-related disorders in the literature. This variant has been identified in 1/251408 chromosomes in the general population by the Genome Aggregation Database (gnomAD). The available evidence is insufficient to determine the role of this variant in disease conclusively. Therefore, this variant is classified as a Variant of Uncertain Significance.

All of Us Research Program, National Institutes of Health
Classification: Uncertain significance for Cardiomyopathy. Last evaluated: 2023-03-23. Review status: criteria provided, single submitter. Criteria: ACMG Guidelines, 2015. Collection method: clinical testing. Allele origin: germline. Inheritance: Autosomal dominant inheritance. Observed: 1 variant allele, 1 heterozygote.
Comment: This missense variant replaces alanine with threonine at codon 1355 of the MYH7 protein. Computational prediction is inconclusive regarding the impact of this variant on protein structure and function (internally defined REVEL score threshold 0.5 < inconclusive < 0.7, PMID: 27666373). To our knowledge, functional studies have not been reported for this variant. This variant has not been reported in individuals affected with MYH7-related disorders in the literature. This variant has been identified in 1/251408 chromosomes in the general population by the Genome Aggregation Database (gnomAD). The available evidence is insufficient to determine the role of this variant in disease conclusively. Therefore, this variant is classified as a Variant of Uncertain Significance.

This study involves interpretation of variants in research participants for the purpose of population health screening. Participant phenotype was not available at the time of variant classification. Additional details can be found in publication PMID: 35346344, PMCID: PMC8962531

Revvity Omics, Revvity
Classification: Uncertain significance. Last evaluated: 2020-07-17. Review status: criteria provided, single submitter. Criteria: ACMG Guidelines, 2015. Collection method: clinical testing. Allele origin: germline.